The following is an entry in ClinVar:

ClinVar aggregate classification (germline): Uncertain significance (1 of 4 stars; one submission).

Submission:

GeneDx
Classification: Uncertain significance. Last evaluated: 2019-09-17. Review status: criteria provided, single submitter. Criteria: GeneDx Variant Classification Process June 2021. Collection method: clinical testing. Allele origin: germline. Affected: yes.
Comment: Not observed in large population cohorts (Lek et al., 2016); In silico analysis, which includes protein predictors and evolutionary conservation, supports a deleterious effect; Has not been previously published as pathogenic or benign to our knowledge; Variants in candidate genes are classified as variants of uncertain significance in accordance with ACMG guidelines (Richards et al., 2015)

NM_002599.5(PDE2A):c.2228G>A (p.Cys743Tyr)

Gene: PDE2A (phosphodiesterase 2A; minus strand). Cytogenetic location: 11q13.4.
Variant type: single nucleotide variant.
Coding change: c.2228G>A on transcript NM_002599.5 (MANE Select); coding-DNA position 2228, G replaced by A.
Protein change: p.Cys743Tyr; replaces cysteine 743 with tyrosine.
Molecular consequence: missense variant.
Genome position (GRCh38, 1-based): chr11:72,579,562, C>T on the plus strand (G>A on the coding strand, the complement: PDE2A is on the minus strand). VCF-style: chr11-72579562-C-T. GRCh37 (hg19) VCF-style: chr11-72290606-C-T.
Other names: c.2207G>A, p.Cys736Tyr (NM_001143839.4); c.2201G>A, p.Cys734Tyr (NM_001146209.3); c.2165G>A, p.Cys722Tyr (NM_001243784.2); short protein forms C722Y, C734Y, C736Y, C743Y.
Identifiers: ClinVar variation 1315776 (VCV001315776.2), dbSNP rs2135269964, ClinGen allele CA381750789.